The following is an entry in ClinVar:

NM_032043.3(BRIP1):c.3350C>T (p.Ser1117Leu)

Gene: BRIP1 (BRCA1 interacting DNA helicase 1; minus strand). Cytogenetic location: 17q23.2.
Variant type: single nucleotide variant.
Coding change: c.3350C>T on transcript NM_032043.3 (MANE Select); coding-DNA position 3350, C replaced by T.
Protein change: p.Ser1117Leu; replaces serine 1117 with leucine.
Molecular consequence: missense variant.
Genome position (GRCh38, 1-based): chr17:61,683,696, G>A on the plus strand (C>T on the coding strand, the complement: BRIP1 is on the minus strand). VCF-style: chr17-61683696-G-A. GRCh37 (hg19) VCF-style: chr17-59761057-G-A.
Other names: short protein forms S1117L.
Identifiers: ClinVar variation 483198 (VCV000483198.18), dbSNP rs1555572672, ClinGen allele CA400478921.

ClinVar aggregate classification (germline): Conflicting classifications of pathogenicity. Review status: criteria provided, conflicting classifications (1 of 4 stars). 4 submissions from 4 submitters: Uncertain significance (3); Likely benign (1). Last evaluated 2025-01-03.

Conditions:
Hereditary cancer-predisposing syndrome. Also called: Hereditary neoplastic syndrome; Neoplastic Syndromes, Hereditary; Tumor predisposition; Hereditary Cancer Syndrome. Identifiers: Orphanet 140162, MedGen C0027672, MeSH D009386, MONDO:0015356.
Fanconi anemia complementation group J. Also called: BRIP1-Related Fanconi Anemia. Identifiers: Orphanet 84, MedGen C1836860, MONDO:0012187, OMIM 609054.
Familial cancer of breast. Also called: BREAST CANCER, FAMILIAL; Hereditary breast cancer; hereditary breast carcinoma. Identifiers: Orphanet 227535, MedGen C0346153, MONDO:0016419, OMIM 114480. Disease mechanism: loss of function.

Submissions (4):

Ambry Genetics
Classification: Likely benign for Hereditary cancer-predisposing syndrome. Last evaluated: 2025-01-03. Review status: criteria provided, single submitter. Criteria: Ambry Variant Classification Scheme 2023. Collection method: clinical testing. Allele origin: germline.

Women's Health and Genetics/Laboratory Corporation of America, LabCorp
Classification: Uncertain significance. Last evaluated: 2024-02-29. Review status: criteria provided, single submitter. Criteria: LabCorp Variant Classification Summary - May 2015. Collection method: clinical testing. Allele origin: germline.

Quest Diagnostics Nichols Institute San Juan Capistrano
Classification: Uncertain significance. Last evaluated: 2022-10-18. Review status: criteria provided, single submitter. Criteria: Quest Diagnostics criteria. Collection method: clinical testing. Allele origin: unknown.
Comment: The variant has not been reported in the published literature. It also has not been reported in large, multi-ethnic general populations. Analysis of this variant using bioinformatics tools for the prediction of the effect of amino acid changes on protein structure and function yielded predictions that this variant is benign. Based on the available information, we are unable to determine the clinical significance of this variant.

Labcorp Genetics (formerly Invitae), Labcorp
Classification: Uncertain significance for Familial cancer of breast; Fanconi anemia complementation group J. Last evaluated: 2018-04-11. Review status: criteria provided, single submitter. Criteria: Invitae Variant Classification Sherloc (09022015). Collection method: clinical testing. Allele origin: germline.
Comment: This sequence change replaces serine with leucine at codon 1117 of the BRIP1 protein (p.Ser1117Leu). The serine residue is weakly conserved and there is a large physicochemical difference between serine and leucine. This variant is not present in population databases (ExAC no frequency). This variant has not been reported in the literature in individuals with BRIP1-related disease. ClinVar contains an entry for this variant (Variation ID: 483198). Algorithms developed to predict the effect of missense changes on protein structure and function output the following: SIFT: "Tolerated"; PolyPhen-2: "Benign"; Align-GVGD: "Class C0". The leucine amino acid residue is found in multiple mammalian species, suggesting that this missense change does not adversely affect protein function. These predictions have not been confirmed by published functional studies and their clinical significance is uncertain. In summary, the available evidence is currently insufficient to determine the role of this variant in disease. Therefore, it has been classified as a Variant of Uncertain Significance.